The following is an entry in ClinVar:

NM_198586.3(NHLRC1):c.272A>G (p.Glu91Gly)

Gene: NHLRC1 (NHL repeat containing E3 ubiquitin protein ligase 1; minus strand). Cytogenetic location: 6p22.3.
Variant type: single nucleotide variant.
Coding change: c.272A>G on transcript NM_198586.3 (MANE Select); coding-DNA position 272, A replaced by G.
Protein change: p.Glu91Gly; replaces glutamic acid 91 with glycine.
Molecular consequence: missense variant.
Genome position (GRCh38, 1-based): chr6:18,122,335, T>C on the plus strand (A>G on the coding strand, the complement: NHLRC1 is on the minus strand). VCF-style: chr6-18122335-T-C. GRCh37 (hg19) VCF-style: chr6-18122566-T-C.
Other names: short protein forms E91G.
Identifiers: ClinVar variation 1713562 (VCV001713562.6), dbSNP rs2533897675, ClinGen allele CA362829048.

ClinVar aggregate classification (germline): Uncertain significance (1 of 4 stars; one submission).

Conditions:
Lafora disease. Also called: Epilepsy progressive myoclonic 2; Progressive Myoclonus Epilepsy, Lafora Type. Identifiers: Orphanet 501, MedGen C0751783, MONDO:0009697.

Submission:

Labcorp Genetics (formerly Invitae), Labcorp
Classification: Uncertain significance for Lafora disease. Last evaluated: 2022-07-23. Review status: criteria provided, single submitter. Criteria: Invitae Variant Classification Sherloc (09022015). Collection method: clinical testing. Allele origin: germline.
Comment: In summary, the available evidence is currently insufficient to determine the role of this variant in disease. Therefore, it has been classified as a Variant of Uncertain Significance. Algorithms developed to predict the effect of missense changes on protein structure and function (SIFT, PolyPhen-2, Align-GVGD) all suggest that this variant is likely to be disruptive. This sequence change replaces glutamic acid, which is acidic and polar, with glycine, which is neutral and non-polar, at codon 91 of the NHLRC1 protein (p.Glu91Gly). This variant is not present in population databases (gnomAD no frequency). This variant has not been reported in the literature in individuals affected with NHLRC1-related conditions.